The following is an entry in ClinVar:

NM_138477.4(CDAN1):c.3044_3066del (p.Arg1015fs)

Gene: CDAN1 (codanin 1; minus strand). Cytogenetic location: 15q15.2.
Variant type: Deletion.
Coding change: c.3044_3066del on transcript NM_138477.4 (MANE Select); coding-DNA positions 3044 to 3066, 23 bases deleted (GCGCCTGTGAGCACCATGCTCCC).
Protein change: p.Arg1015fs; shifts the reading frame from arginine 1015.
Molecular consequence: frameshift variant.
Genome position (GRCh38, 1-based): chr15:42,727,651-42,727,673, GGGAGCATGGTGCTCACAGGCGC deleted on the plus strand (GCGCCTGTGAGCACCATGCTCCC on the coding strand, the reverse complement: CDAN1 is on the minus strand); deleting any 23 consecutive bases within chr15:42,727,651-42,727,680 gives the same sequence; the c. name uses the placement nearest the transcript's 3' end. VCF-style (leftmost placement, unchanged base first): chr15-42727650-GGGGAGCATGGTGCTCACAGGCGC-G. GRCh37 (hg19) VCF-style: chr15-43019848-GGGGAGCATGGTGCTCACAGGCGC-G.
Other names: short protein forms R1015fs.
Identifiers: ClinVar variation 4711926 (VCV004711926.1).

ClinVar aggregate classification (germline): Pathogenic (1 of 4 stars; one submission).

Submission:

Labcorp Genetics (formerly Invitae), Labcorp
Classification: Pathogenic. Last evaluated: 2025-01-27. Review status: criteria provided, single submitter. Criteria: Invitae Variant Classification Sherloc (09022015). Collection method: clinical testing. Allele origin: germline.
Comment: This sequence change creates a premature translational stop signal (p.Arg1015Profs*23) in the CDAN1 gene. It is expected to result in an absent or disrupted protein product. Loss-of-function variants in CDAN1 are known to be pathogenic (PMID: 16098079, 16141353). This variant is not present in population databases (gnomAD no frequency). This variant has not been reported in the literature in individuals affected with CDAN1-related conditions. For these reasons, this variant has been classified as Pathogenic.

Literature cited by the submitters: PubMed 16098079; PubMed 16141353.